The following is an entry in ClinVar:

NM_000222.3(KIT):c.1586T>C (p.Phe529Ser)

Gene: KIT (KIT proto-oncogene, receptor tyrosine kinase; plus strand). Cytogenetic location: 4q12.
Variant type: single nucleotide variant.
Coding change: c.1586T>C on transcript NM_000222.3 (MANE Select); coding-DNA position 1586, T replaced by C.
Protein change: p.Phe529Ser; replaces phenylalanine 529 with serine.
Molecular consequence: missense variant.
Genome position (GRCh38, 1-based): chr4:54,727,263, T>C. VCF-style: chr4-54727263-T-C. GRCh37 (hg19) VCF-style: chr4-55593429-T-C.
Other names: c.1574T>C, p.Phe525Ser (NM_001093772.2, NM_001385286.1); c.1589T>C, p.Phe530Ser (NM_001385284.1, NM_001385290.1); c.1586T>C, p.Phe529Ser (NM_001385285.1); c.1577T>C, p.Phe526Ser (NM_001385288.1, NM_001385292.1); c.1586T>C (NM_000222.2); short protein forms F525S, F526S, F529S, F530S.
Identifiers: ClinVar variation 1418260 (VCV001418260.8), dbSNP rs2109774060, ClinGen allele CA356907021.
Genomic context (GRCh38, chr4:54,727,263, plus strand): 5'-TCTCTTCCATTGTAGAGCAAATCCATCCCCACACCCTGTTCACTCCTTTGCTGATTGGTT[T>C]CGTAATCGTAGCTGGCATGATGTGCATTATTGTGATGATTCTGACCTACAAATATTTACA-3'
Protein context (NP_000213.1, residues 519-539): HTLFTPLLIG[Phe529Ser]VIVAGMMCII

ClinVar aggregate classification (germline): Uncertain significance. Review status: criteria provided, multiple submitters, no conflicts (2 of 4 stars). 2 submissions from 2 submitters: Uncertain significance (2). Last evaluated 2024-05-16.

Conditions:
Hereditary cancer-predisposing syndrome. Also called: Tumor predisposition; Hereditary Cancer Syndrome; Hereditary neoplastic syndrome; Neoplastic Syndromes, Hereditary. Identifiers: Orphanet 140162, MedGen C0027672, MeSH D009386, MONDO:0015356.
Gastrointestinal stromal tumor. Also called: Gastrointestinal stroma tumor; Gastrointestinal stromal tumor, somatic. Identifiers: Orphanet 44890, MedGen C0238198, MeSH D046152, MONDO:0011719, OMIM 606764, HP:0100723.

Submissions (2):

Labcorp Genetics (formerly Invitae), Labcorp
Classification: Uncertain significance for Gastrointestinal stromal tumor. Last evaluated: 2024-05-16. Review status: criteria provided, single submitter. Criteria: Invitae Variant Classification Sherloc (09022015). Collection method: clinical testing. Allele origin: germline.
Comment: This sequence change replaces phenylalanine, which is neutral and non-polar, with serine, which is neutral and polar, at codon 529 of the KIT protein (p.Phe529Ser). This variant is not present in population databases (gnomAD no frequency). This variant has not been reported in the literature in individuals affected with KIT-related conditions. ClinVar contains an entry for this variant (Variation ID: 1418260). An algorithm developed to predict the effect of missense changes on protein structure and function (PolyPhen-2) suggests that this variant is likely to be tolerated. In summary, the available evidence is currently insufficient to determine the role of this variant in disease. Therefore, it has been classified as a Variant of Uncertain Significance.

Ambry Genetics
Classification: Uncertain significance for Hereditary cancer-predisposing syndrome. Last evaluated: 2023-05-18. Review status: criteria provided, single submitter. Criteria: Ambry Variant Classification Scheme 2023. Collection method: clinical testing. Allele origin: germline.
Comment: The p.F529S variant (also known as c.1586T>C), located in coding exon 10 of the KIT gene, results from a T to C substitution at nucleotide position 1586. The phenylalanine at codon 529 is replaced by serine, an amino acid with highly dissimilar properties. This amino acid position is conserved. In addition, this alteration is predicted to be tolerated by in silico analysis. Since supporting evidence is limited at this time, the clinical significance of this alteration remains unclear.